The following is an entry in ClinVar:

NM_000152.5(GAA):c.2656G>A (p.Val886Met)

Gene: GAA (alpha glucosidase; plus strand). Cytogenetic location: 17q25.3.
Variant type: single nucleotide variant.
Coding change: c.2656G>A on transcript NM_000152.5 (MANE Select); coding-DNA position 2656, G replaced by A.
Protein change: p.Val886Met; replaces valine 886 with methionine.
Molecular consequence: missense variant.
Genome position (GRCh38, 1-based): chr17:80,118,662, G>A. VCF-style: chr17-80118662-G-A. GRCh37 (hg19) VCF-style: chr17-78092461-G-A.
Other names: c.2656G>A, p.Val886Met (NM_001079803.3, NM_001079804.3); short protein forms V886M.
Identifiers: ClinVar variation 285162 (VCV000285162.11), dbSNP rs372802420, ClinGen allele CA8815828.
Genomic context (GRCh38, chr17:80,118,662, plus strand): 5'-TGCTGACACCTCCACATTCTCTGCCTTTTCATCTCTCTCTGCTCGGCCCAGAACACGATC[G>A]TGAATGAGCTGGTACGTGTGACCAGTGAGGGAGCTGGCCTGCAGCTGCAGAAGGTGACTG-3'
Protein context (NP_000143.2, residues 876-896): VIFLARNNTI[Val886Met]NELVRVTSEG

ClinVar aggregate classification (germline): Conflicting classifications of pathogenicity. Review status: criteria provided, conflicting classifications (1 of 4 stars). 5 submissions from 5 submitters: Uncertain significance (4); Likely benign (1). Last evaluated 2025-05-09.

Conditions:
Glycogen storage disease, type II (IOPD). Also called: CARDIOMEGALIA GLYCOGENICA DIFFUSA; Glycogen storage disease type 2; Acid maltase deficiency disease; Aglucosidase alfa; Deficiency of alpha-glucosidase; Deficiency of lysosomal alpha-glucosidase. Identifiers: Orphanet 365, MedGen C0017921, MONDO:0009290, OMIM 232300.
Cardiovascular phenotype. Identifiers: MedGen CN230736.

Allele frequency attached by ClinVar (database versions not stated): ESP Exome Variant Server 0.00008; ExAC 0.00001; gnomAD exomes 0.00001 and 0.00004; TOPMed 0.00003; gnomAD 0.00004 and 0.00005.
gnomAD v4.1: 59 of 1,612,268 alleles (0.0037%); highest among the groups gnomAD compares: Non-Finnish European, 0.0046%; no homozygotes.

Submissions (5):

Revvity Omics, Revvity
Classification: Uncertain significance. Last evaluated: 2025-05-09. Review status: criteria provided, single submitter. Criteria: ACMG Guidelines, 2015. Collection method: clinical testing. Allele origin: germline.

Labcorp Genetics (formerly Invitae), Labcorp
Classification: Uncertain significance for Glycogen storage disease, type II. Last evaluated: 2022-09-19. Review status: criteria provided, single submitter. Criteria: Invitae Variant Classification Sherloc (09022015). Collection method: clinical testing. Allele origin: germline.
Comment: This sequence change replaces valine, which is neutral and non-polar, with methionine, which is neutral and non-polar, at codon 886 of the GAA protein (p.Val886Met). The frequency data for this variant in the population databases is considered unreliable, as metrics indicate poor data quality at this position in the gnomAD database. This variant has not been reported in the literature in individuals affected with GAA-related conditions. ClinVar contains an entry for this variant (Variation ID: 285162). Advanced modeling of protein sequence and biophysical properties (such as structural, functional, and spatial information, amino acid conservation, physicochemical variation, residue mobility, and thermodynamic stability) performed at Invitae indicates that this missense variant is not expected to disrupt GAA protein function. In summary, the available evidence is currently insufficient to determine the role of this variant in disease. Therefore, it has been classified as a Variant of Uncertain Significance.

Ambry Genetics
Classification: Likely benign for Cardiovascular phenotype. Last evaluated: 2021-12-29. Review status: criteria provided, single submitter. Criteria: Ambry Variant Classification Scheme 2023. Collection method: clinical testing. Allele origin: germline.

Blueprint Genetics
Classification: Uncertain significance. Last evaluated: 2018-11-16. Review status: criteria provided, single submitter. Criteria: ACMG Guidelines, 2015. Collection method: clinical testing. Allele origin: germline.

Eurofins Ntd Llc (ga)
Classification: Uncertain significance. Last evaluated: 2015-12-09. Review status: criteria provided, single submitter. Criteria: EGL Classification Definitions 2015. Collection method: clinical testing. Allele origin: germline. Observed: 1 variant allele, 1 heterozygote.